The following is an entry in ClinVar:

ClinVar aggregate classification (germline): Uncertain significance (1 of 4 stars; one submission).

Allele frequency attached by ClinVar (database versions not stated): TOPMed below 0.00001; gnomAD exomes 0.00001.
gnomAD v4.1: 11 of 1,599,402 alleles (0.00069%); highest among the groups gnomAD compares: Non-Finnish European, 0.00094%; no homozygotes.

Submission:

Labcorp Genetics (formerly Invitae), Labcorp
Classification: Uncertain significance. Last evaluated: 2020-10-08. Review status: criteria provided, single submitter. Criteria: Invitae Variant Classification Sherloc (09022015). Collection method: clinical testing. Allele origin: germline.
Comment: This sequence change falls in intron 24 of the MTOR gene. It does not directly change the encoded amino acid sequence of the MTOR protein, but it affects a nucleotide within the consensus splice site of the intron. This variant is not present in population databases (ExAC no frequency). This variant has not been reported in the literature in individuals with MTOR-related conditions. Nucleotide substitutions within the consensus splice site are a relatively common cause of aberrant splicing (PMID: 17576681, 9536098). Algorithms developed to predict the effect of sequence changes on RNA splicing suggest that this variant is not likely to affect RNA splicing, but this prediction has not been confirmed by published transcriptional studies. In summary, the available evidence is currently insufficient to determine the role of this variant in disease. Therefore, it has been classified as a Variant of Uncertain Significance.

Literature cited by the submitters: PubMed 17576681; PubMed 9536098.

NM_004958.4(MTOR):c.3654+6C>G

Gene: MTOR (mechanistic target of rapamycin kinase; minus strand). Cytogenetic location: 1p36.22.
Variant type: single nucleotide variant.
Coding change: c.3654+6C>G on transcript NM_004958.4 (MANE Select); 6 bases into the intron after coding-DNA position 3654, C replaced by G.
Molecular consequence: intron variant.
Genome position (GRCh38, 1-based): chr1:11,210,808, G>C on the plus strand (C>G on the coding strand, the complement: MTOR is on the minus strand). VCF-style: chr1-11210808-G-C. GRCh37 (hg19) VCF-style: chr1-11270865-G-C.
Identifiers: ClinVar variation 1007742 (VCV001007742.6), dbSNP rs1441155947, ClinGen allele CA521157470.
Genomic context (GRCh38, chr1:11,210,808, plus strand): 5'-AGATTACAAGAATATCAAGTAGTAAAGACAACAGGGACTTCAGAACAGAAAAGAAGTATA[G>C]TTCACCTTGACAATTCTGCAGATGAGCACATCATAGCGCTGATGATTGATTCGGTGTCGC-3'